The following is an entry in ClinVar:

NM_138295.5(PKD1L1):c.3015A>G (p.Pro1005=)

Gene: PKD1L1 (polycystin 1 like 1, transient receptor potential channel interacting; minus strand). Cytogenetic location: 7p12.3.
Variant type: single nucleotide variant.
Coding change: c.3015A>G on transcript NM_138295.5 (MANE Select); coding-DNA position 3015, A replaced by G.
Protein change: p.Pro1005=; no amino-acid change (proline 1005 retained).
Molecular consequence: synonymous variant.
Genome position (GRCh38, 1-based): chr7:47,885,876, T>C on the plus strand (A>G on the coding strand, the complement: PKD1L1 is on the minus strand). VCF-style: chr7-47885876-T-C. GRCh37 (hg19) VCF-style: chr7-47925474-T-C.
Identifiers: ClinVar variation 4996749 (VCV004996749.1).

ClinVar aggregate classification (germline): Likely benign (1 of 4 stars; one submission).

Conditions:
PKD1L1-related disorder. Also called: PKD1L1-related condition.

gnomAD v4.1: 4 of 1,614,170 alleles (0.00025%); highest among the groups gnomAD compares: South Asian, 0.0044%; no homozygotes.

Submission:

PreventionGenetics, part of Exact Sciences
Classification: Likely benign for PKD1L1-related condition. Last evaluated: 2025-04-03. Review status: criteria provided, single submitter. Criteria: ACMG Guidelines, 2015. Collection method: clinical testing. Allele origin: germline.
Comment: This variant is classified as likely benign based on ACMG/AMP sequence variant interpretation guidelines (Richards et al. 2015 PMID: 25741868, with internal and published modifications).